The following is an entry in ClinVar:

ClinVar aggregate classification (germline): Likely benign (0 of 4 stars; one submission).

Conditions:
COL5A1-related disorder. Also called: COL5A1-related condition.

gnomAD v4.1: 70 of 1,613,868 alleles (0.0043%); highest among the groups gnomAD compares: Admixed American, 0.017%; no homozygotes.

Submission:

PreventionGenetics, part of Exact Sciences
Classification: Likely benign for COL5A1-related condition. Last evaluated: 2019-05-28. Review status: no assertion criteria provided. Collection method: clinical testing. Allele origin: germline.
Comment: This variant is classified as likely benign based on ACMG/AMP sequence variant interpretation guidelines (Richards et al. 2015 PMID: 25741868, with internal and published modifications).

NM_000093.5(COL5A1):c.*9G>A

Genes: COL5A1 (collagen type V alpha 1 chain; plus strand), LOC101448202 (uncharacterized LOC101448202; minus strand). Cytogenetic location: 9q34.3.
Variant type: single nucleotide variant.
Coding change: c.*9G>A on transcript NM_000093.5 (MANE Select); 9 bases downstream of the stop codon, G replaced by A.
Molecular consequence: 3 prime UTR variant.
Genome position (GRCh38, 1-based): chr9:134,842,312, G>A. VCF-style: chr9-134842312-G-A. GRCh37 (hg19) VCF-style: chr9-137734158-G-A.
Other names: c.*9G>A (NM_001278074.1).
Identifiers: ClinVar variation 3350273 (VCV003350273.1).